The following is an entry in ClinVar:

NM_004174.4(SLC9A3):c.1518-3C>T

Genes: SLC9A3 (solute carrier family 9 member A3), SLC9A3-AS1 (SLC9A3 antisense RNA 1; plus strand). Cytogenetic location: 5p15.33.
Variant type: single nucleotide variant.
Coding change: c.1518-3C>T on transcript NM_004174.4 (MANE Select); 3 bases into the intron before coding-DNA position 1518, C replaced by T.
Molecular consequence: intron variant. On other transcripts: non-coding transcript variant (1).
Genome position (GRCh38, 1-based): chr5:479,968, G>A on the plus strand (C>T on the coding strand, the complement: SLC9A3 is on the minus strand). VCF-style: chr5-479968-G-A. GRCh37 (hg19) VCF-style: chr5-480083-G-A.
Other names: c.1491-3C>T (NM_001284351.3).
Identifiers: ClinVar variation 1599681 (VCV001599681.32), dbSNP rs369382043, ClinGen allele CA3175834.

ClinVar aggregate classification (germline): Benign/Likely benign. Review status: criteria provided, multiple submitters, no conflicts (2 of 4 stars). 2 submissions from 2 submitters: Benign (1); Likely benign (1). Last evaluated 2025-11-24.

Allele frequency attached by ClinVar (database versions not stated): gnomAD 0.00001 and 0.00020; TOPMed 0.00005; gnomAD exomes 0.00083; ExAC 0.00086; 1000 Genomes Project 0.00120; 1000 Genomes Project 30x 0.00172.
gnomAD v4.1: 600 of 1,613,290 alleles (0.037%); highest among the groups gnomAD compares: South Asian, 0.62%; 6 homozygotes.

Submissions (2):

Labcorp Genetics (formerly Invitae), Labcorp
Classification: Benign. Last evaluated: 2025-11-24. Review status: criteria provided, single submitter. Criteria: Invitae Variant Classification Sherloc (09022015). Collection method: clinical testing. Allele origin: germline.

CeGaT Center for Human Genetics Tuebingen
Classification: Likely benign. Last evaluated: 2025-06-01. Review status: criteria provided, single submitter. Criteria: CeGaT Center For Human Genetics Tuebingen Variant Classification Criteria Version 2. Collection method: clinical testing. Allele origin: germline. Affected: yes. Observed: 2 variant alleles.
Comment: SLC9A3: BP4